The following is an entry in ClinVar:

ClinVar aggregate classification (germline): Uncertain significance (1 of 4 stars; one submission).

Conditions:
Osteogenesis imperfecta type 8 (OI8). Identifiers: MedGen C1970458, MONDO:0012581, OMIM 610915.

gnomAD v4.1: 17 of 1,612,528 alleles (0.0011%); highest among the groups gnomAD compares: Middle Eastern, 0.016%; no homozygotes.

Submission:

Labcorp Genetics (formerly Invitae), Labcorp
Classification: Uncertain significance for Osteogenesis imperfecta type 8. Last evaluated: 2021-09-01. Review status: criteria provided, single submitter. Criteria: Invitae Variant Classification Sherloc (09022015). Collection method: clinical testing. Allele origin: germline.
Comment: This sequence change replaces alanine with threonine at codon 673 of the P3H1 protein (p.Ala673Thr). The alanine residue is moderately conserved and there is a small physicochemical difference between alanine and threonine. This variant is present in population databases (rs192750565, ExAC 0.009%). This variant has not been reported in the literature in individuals affected with P3H1-related conditions. Algorithms developed to predict the effect of missense changes on protein structure and function are either unavailable or do not agree on the potential impact of this missense change (SIFT: "Tolerated"; PolyPhen-2: "Probably Damaging"; Align-GVGD: "Class C0"). In summary, the available evidence is currently insufficient to determine the role of this variant in disease. Therefore, it has been classified as a Variant of Uncertain Significance.

NM_022356.4(P3H1):c.2017G>A (p.Ala673Thr)

Gene: P3H1 (prolyl 3-hydroxylase 1; minus strand). Cytogenetic location: 1p34.2.
Variant type: single nucleotide variant.
Coding change: c.2017G>A on transcript NM_022356.4 (MANE Select); coding-DNA position 2017, G replaced by A.
Protein change: p.Ala673Thr; replaces alanine 673 with threonine.
Molecular consequence: missense variant.
Genome position (GRCh38, 1-based): chr1:42,747,310, C>T on the plus strand (G>A on the coding strand, the complement: P3H1 is on the minus strand). VCF-style: chr1-42747310-C-T. GRCh37 (hg19) VCF-style: chr1-43212981-C-T.
Other names: c.2017G>A, p.Ala673Thr (NM_001146289.2, NM_001243246.2); short protein forms A673T.
Identifiers: ClinVar variation 1362869 (VCV001362869.5), dbSNP rs192750565, ClinGen allele CA801624.